The following is an entry in ClinVar:

ClinVar aggregate classification (germline): Uncertain significance. Review status: criteria provided, multiple submitters, no conflicts (2 of 4 stars). 8 submissions from 8 submitters: Uncertain significance (6). 2 of the submissions do not count toward it. Last evaluated 2026-01-20.

Conditions:
Autoinflammatory syndrome. Identifiers: Orphanet 93665, MedGen C3890737, MONDO:0019751.
Griscelli syndrome type 2 (GS2). Also called: PARTIAL ALBINISM AND IMMUNODEFICIENCY SYNDROME; GRISCELLI SYNDROME WITH HEMOPHAGOCYTIC SYNDROME; PAID SYNDROME. Identifiers: Orphanet 381, Orphanet 79477, MedGen C1868679, MONDO:0011872, OMIM 607624.

Allele frequency attached by ClinVar (database versions not stated): ExAC 0.00007; ESP Exome Variant Server 0.00008; gnomAD exomes 0.00013 and 0.00016; TOPMed 0.00016; gnomAD 0.00009.
gnomAD v4.1: 225 of 1,613,966 alleles (0.014%); highest among the groups gnomAD compares: Middle Eastern, 0.082%; no homozygotes.

Submissions (8):

Labcorp Genetics (formerly Invitae), Labcorp
Classification: Uncertain significance for Griscelli syndrome type 2. Last evaluated: 2026-01-20. Review status: criteria provided, single submitter. Criteria: Invitae Variant Classification Sherloc (09022015). Collection method: clinical testing. Allele origin: germline.
Comment: This sequence change replaces isoleucine, which is neutral and non-polar, with methionine, which is neutral and non-polar, at codon 181 of the RAB27A protein (p.Ile181Met). This variant is present in population databases (rs139025012, gnomAD 0.1%). This missense change has been observed in individual(s) with autoimmune hemolytic anemia (PMID: 34573280). ClinVar contains an entry for this variant (Variation ID: 655022). An algorithm developed to predict the effect of missense changes on protein structure and function (PolyPhen-2) suggests that this variant is likely to be disruptive. In summary, the available evidence is currently insufficient to determine the role of this variant in disease. Therefore, it has been classified as a Variant of Uncertain Significance.

Mayo Clinic Laboratories, Mayo Clinic
Classification: Uncertain significance. Last evaluated: 2025-02-26. Review status: criteria provided, single submitter. Criteria: ACMG Guidelines, 2015. Collection method: clinical testing. Allele origin: germline. Observed: 1 variant allele.

Fulgent Genetics
Classification: Uncertain significance for Griscelli syndrome type 2. Last evaluated: 2022-04-22. Review status: criteria provided, single submitter. Criteria: ACMG Guidelines, 2015. Collection method: clinical testing. Allele origin: unknown.

Genome Diagnostics Laboratory, The Hospital for Sick Children
Classification: Uncertain significance for Autoinflammatory syndrome. Last evaluated: 2022-03-09. Review status: criteria provided, single submitter. Criteria: ACMG Guidelines, 2015. Collection method: clinical testing. Allele origin: germline. Affected: yes.

Illumina Laboratory Services, Illumina
Classification: Uncertain significance for Griscelli syndrome type 2. Last evaluated: 2018-01-13. Review status: criteria provided, single submitter. Criteria: ICSL Variant Classification Criteria 13 December 2019. Collection method: clinical testing. Allele origin: germline.

Breakthrough Genomics
Classification: Uncertain significance. Review status: criteria provided, single submitter. Criteria: ACMG Guidelines, 2015. Collection method: not provided. Allele origin: germline. Inheritance: Autosomal recessive inheritance. Affected: yes.

Clinical Genetics DNA and cytogenetics Diagnostics Lab, Erasmus MC, Erasmus Medical Center
Classification: Uncertain significance. Review status: no assertion criteria provided. Collection method: clinical testing. Allele origin: germline. Affected: yes. Study: VKGL Data-share Consensus. Not counted in ClinVar's aggregate classification.

Diagnostic Laboratory, Department of Genetics, University Medical Center Groningen
Classification: Uncertain significance. Review status: no assertion criteria provided. Collection method: clinical testing. Allele origin: germline. Affected: yes. Study: VKGL Data-share Consensus. Not counted in ClinVar's aggregate classification.

Literature cited by the submitters: PubMed 34573280 (cited by Labcorp Genetics (formerly Invitae), Labcorp and Mayo Clinic Laboratories, Mayo Clinic); PubMed 35960392 (cited by Mayo Clinic Laboratories, Mayo Clinic).

NM_183235.3(RAB27A):c.543A>G (p.Ile181Met)

Gene: RAB27A (RAB27A, member RAS oncogene family; minus strand). Cytogenetic location: 15q21.3.
Variant type: single nucleotide variant.
Coding change: c.543A>G on transcript NM_183235.3 (MANE Select); coding-DNA position 543, A replaced by G.
Protein change: p.Ile181Met; replaces isoleucine 181 with methionine.
Molecular consequence: missense variant.
Genome position (GRCh38, 1-based): chr15:55,205,630, T>C on the plus strand (A>G on the coding strand, the complement: RAB27A is on the minus strand). VCF-style: chr15-55205630-T-C. GRCh37 (hg19) VCF-style: chr15-55497828-T-C.
Other names: p.Ile181Met; c.543A>G, p.Ile181Met (NM_004580.5, NM_183234.3, NM_183236.3); short protein forms I181M.
Identifiers: ClinVar variation 655022 (VCV000655022.18), dbSNP rs139025012, ClinGen allele CA7573536.